The following is an entry in ClinVar:

NM_001040108.2(MLH3):c.1755dup (p.Glu586fs)

Gene: MLH3 (mutL homolog 3; minus strand). Cytogenetic location: 14q24.3.
Variant type: Duplication.
Coding change: c.1755dup on transcript NM_001040108.2 (MANE Select); coding-DNA position 1755, one base duplicated (A; older notation c.1755dupA).
Protein change: p.Glu586fs; shifts the reading frame from glutamic acid 586.
Molecular consequence: frameshift variant.
Genome position (GRCh38, 1-based): chr14:75,047,901, T duplicated on the plus strand (A on the coding strand, the reverse complement: MLH3 is on the minus strand); the first of 9 consecutive T bases (chr14:75,047,901-75,047,909); duplicating any one gives the same sequence. VCF-style (leftmost placement, unchanged base first): chr14-75047900-C-CT. GRCh37 (hg19) VCF-style: chr14-75514603-C-CT.
Other names: c.1755dup, p.Glu586fs (NM_014381.3); short protein forms E586fs.
Identifiers: ClinVar variation 1006886 (VCV001006886.14), dbSNP rs751465048, ClinGen allele CA7275824.

ClinVar aggregate classification (germline): Conflicting classifications of pathogenicity. Review status: criteria provided, conflicting classifications (1 of 4 stars). 3 submissions from 3 submitters: Pathogenic (2); Uncertain significance (1). Last evaluated 2026-06-02.

Conditions:
Colorectal cancer, hereditary nonpolyposis, type 7. Identifiers: Orphanet 144, MedGen C1858380, MONDO:0013725, OMIM 614385.

Submissions (3):

Ambry Genetics
Classification: Pathogenic. Last evaluated: 2026-06-02. Review status: criteria provided, single submitter. Criteria: Ambry Variant Classification Scheme 2023. Collection method: clinical testing. Allele origin: germline.
Comment: The c.1755dupA pathogenic mutation, located in coding exon 1 of the MLH3 gene, results from a duplication of A at nucleotide position 1755, causing a translational frameshift with a predicted alternate stop codon (p.E586Rfs*3). This alteration is expected to result in loss of function by premature protein truncation or nonsense-mediated mRNA decay. As such, this alteration is interpreted as a disease-causing mutation.

Myriad Genetics, Inc.
Classification: Pathogenic for Colorectal cancer, hereditary nonpolyposis, type 7. Last evaluated: 2025-12-15. Review status: criteria provided, single submitter. Criteria: Myriad Autosomal Dominant, Autosomal Recessive and X-Linked Classification Criteria (2023). Collection method: clinical testing. Allele origin: unknown.
Comment: This variant is considered pathogenic. This variant creates a frameshift predicted to result in premature protein truncation.

Labcorp Genetics (formerly Invitae), Labcorp
Classification: Uncertain significance for Colorectal cancer, hereditary nonpolyposis, type 7. Last evaluated: 2020-12-15. Review status: criteria provided, single submitter. Criteria: Invitae Variant Classification Sherloc (09022015). Collection method: clinical testing. Allele origin: germline.
Comment: The frequency data for this variant in the population databases is considered unreliable, as metrics indicate poor data quality at this position in the ExAC database. This sequence change creates a premature translational stop signal (p.Glu586Argfs*3) in the MLH3 gene. It is expected to result in an absent or disrupted protein product. This variant has not been reported in the literature in individuals with MLH3-related conditions. In summary, the available evidence is currently insufficient to determine the role of this variant in disease. Therefore, it has been classified as a Variant of Uncertain Significance. The current clinical and genetic evidence is not sufficient to establish whether loss-of-function variants in MLH3 cause disease.